The following is an entry in ClinVar:

NM_000304.4(PMP22):c.219_223dup (p.Phe75fs)

Gene: PMP22 (peripheral myelin protein 22; minus strand). Cytogenetic location: 17p12.
Variant type: Duplication.
Coding change: c.219_223dup on transcript NM_000304.4 (MANE Select); coding-DNA positions 219 to 223, 5 bases duplicated (CATCT; older notation c.219_223dupCATCT).
Protein change: p.Phe75fs; shifts the reading frame from phenylalanine 75.
Molecular consequence: frameshift variant. On other transcripts: non-coding transcript variant (2).
Genome position (GRCh38, 1-based): chr17:15,239,567-15,239,571, AGATG duplicated on the plus strand (CATCT on the coding strand, the reverse complement: PMP22 is on the minus strand); duplicating any 5 consecutive bases within chr17:15,239,567-15,239,572 gives the same sequence; the c. name uses the placement nearest the transcript's 3' end. VCF-style (leftmost placement, unchanged base first): chr17-15239566-A-AAGATG. GRCh37 (hg19) VCF-style: chr17-15142883-A-AAGATG.
Other names: c.219_223dup, p.Phe75fs (NM_001281455.2, NM_001281456.2, NM_001330143.2 and 2 more transcripts); short protein forms F75fs.
Identifiers: ClinVar variation 2762771 (VCV002762771.3), dbSNP rs2508078064, ClinGen allele CA2697559437.
Genomic context (GRCh38, chr17:15,239,566, plus strand): 5'-CTGCCCCCCTTGGTGAGGGTGAAGAGTTGGCAGAAGAACAGGAACAGAGACAGAATGCTG[A>AAGATG]AGATGATCGACAGGATCATGGTGGCCTGGACAGACTGCAGCCATTCTGGGGGAAAGAGAC-3'

ClinVar aggregate classification (germline): Pathogenic (1 of 4 stars; one submission).

Conditions:
Charcot-Marie-Tooth disease, type I (CMT1). Also called: Charcot-Marie-Tooth disease type 1; Charcot-Marie-Tooth, Type 1. Identifiers: Orphanet 65753, MedGen C0751036, MONDO:0019011.

Submission:

Labcorp Genetics (formerly Invitae), Labcorp
Classification: Pathogenic for Charcot-Marie-Tooth disease, type I. Last evaluated: 2023-09-25. Review status: criteria provided, single submitter. Criteria: Invitae Variant Classification Sherloc (09022015). Collection method: clinical testing. Allele origin: germline.
Comment: For these reasons, this variant has been classified as Pathogenic. This variant disrupts a region of the PMP22 protein in which other variant(s) (p.Leu145Argfs*10) have been determined to be pathogenic (PMID: 21149811, 21252112, 23965407). This suggests that this is a clinically significant region of the protein, and that variants that disrupt it are likely to be disease-causing. This variant has not been reported in the literature in individuals affected with PMP22-related conditions. This variant is not present in population databases (gnomAD no frequency). This sequence change creates a premature translational stop signal (p.Phe75Serfs*38) in the PMP22 gene. While this is not anticipated to result in nonsense mediated decay, it is expected to disrupt the last 86 amino acid(s) of the PMP22 protein.

Literature cited by the submitters: PubMed 21149811; PubMed 21252112; PubMed 23965407.